The following is an entry in ClinVar:

NM_000051.4(ATM):c.2650C>G (p.Pro884Ala)

Gene: ATM (ATM serine/threonine kinase; plus strand). Cytogenetic location: 11q22.3.
Variant type: single nucleotide variant.
Coding change: c.2650C>G on transcript NM_000051.4 (MANE Select); coding-DNA position 2650, C replaced by G.
Protein change: p.Pro884Ala; replaces proline 884 with alanine.
Molecular consequence: missense variant.
Genome position (GRCh38, 1-based): chr11:108,268,421, C>G. VCF-style: chr11-108268421-C-G. GRCh37 (hg19) VCF-style: chr11-108139148-C-G.
Other names: c.2650C>G, p.Pro884Ala (NM_001351834.2); short protein forms P884A.
Identifiers: ClinVar variation 646022 (VCV000646022.21), dbSNP rs1591593623, ClinGen allele CA382545020.

ClinVar aggregate classification (germline): Uncertain significance. Review status: criteria provided, multiple submitters, no conflicts (2 of 4 stars). 6 submissions from 6 submitters: Uncertain significance (4). 2 of the submissions do not count toward it. Last evaluated 2025-12-29.

Conditions:
Hereditary cancer-predisposing syndrome. Also called: Neoplastic Syndromes, Hereditary; Hereditary Cancer Syndrome; Hereditary neoplastic syndrome; Tumor predisposition. Identifiers: Orphanet 140162, MedGen C0027672, MeSH D009386, MONDO:0015356.
Ataxia-telangiectasia syndrome (AT). Also called: LOUIS-BAR SYNDROME; Ataxia-telangiectasia, complementation group E; Ataxia-telangiectasia, complementation group D; AT, COMPLEMENTATION GROUP C; Ataxia telangiectasia (A-T); Cerebello-oculocutaneous telangiectasia. Identifiers: Orphanet 100, MedGen C0004135, MONDO:0008840, OMIM 208900.
Malignant tumor of breast. Also called: Cancer breast; Malignant breast neoplasm. Identifiers: MedGen C0006142, MONDO:0007254. Disease mechanism: loss of function.

gnomAD v4.1: 1 of 1,613,524 alleles (0.000062%); no homozygotes.

Submissions (6):

Center for Genomic Medicine, Rigshospitalet, Copenhagen University Hospital
Classification: Uncertain significance. Last evaluated: 2025-12-29. Review status: criteria provided, single submitter. Criteria: ACMG Guidelines, 2015. Collection method: clinical testing. Allele origin: germline.

Labcorp Genetics (formerly Invitae), Labcorp
Classification: Uncertain significance for Ataxia-telangiectasia syndrome. Last evaluated: 2025-04-16. Review status: criteria provided, single submitter. Criteria: Invitae Variant Classification Sherloc (09022015). Collection method: clinical testing. Allele origin: germline.
Comment: This sequence change replaces proline, which is neutral and non-polar, with alanine, which is neutral and non-polar, at codon 884 of the ATM protein (p.Pro884Ala). This variant is not present in population databases (gnomAD no frequency). This variant has not been reported in the literature in individuals affected with ATM-related conditions. ClinVar contains an entry for this variant (Variation ID: 646022). Invitae Evidence Modeling of protein sequence and biophysical properties (such as structural, functional, and spatial information, amino acid conservation, physicochemical variation, residue mobility, and thermodynamic stability) indicates that this missense variant is not expected to disrupt ATM protein function with a negative predictive value of 95%. In summary, the available evidence is currently insufficient to determine the role of this variant in disease. Therefore, it has been classified as a Variant of Uncertain Significance.

Ambry Genetics
Classification: Uncertain significance for Hereditary cancer-predisposing syndrome. Last evaluated: 2024-12-03. Review status: criteria provided, single submitter. Criteria: Ambry Variant Classification Scheme 2023. Collection method: clinical testing. Allele origin: germline.
Comment: The p.P884A variant (also known as c.2650C>G), located in coding exon 17 of the ATM gene, results from a C to G substitution at nucleotide position 2650. The proline at codon 884 is replaced by alanine, an amino acid with highly similar properties. This amino acid position is highly conserved in available vertebrate species. In addition, the in silico prediction for this alteration is inconclusive. Since supporting evidence is limited at this time, the clinical significance of this alteration remains unclear.

Breakthrough Genomics
Classification: Uncertain significance. Review status: criteria provided, single submitter. Criteria: ACMG Guidelines, 2015. Collection method: not provided. Allele origin: germline. Inheritance: Autosomal recessive inheritance. Affected: yes.

Natera, Inc.
Classification: Uncertain significance for Ataxia-telangiectasia. Last evaluated: 2021-08-10. Review status: no assertion criteria provided. Collection method: clinical testing. Allele origin: germline. Not counted in ClinVar's aggregate classification.

Department of Pathology and Laboratory Medicine, Sinai Health System
Classification: Uncertain significance for Malignant tumor of breast. Review status: no assertion criteria provided. Collection method: clinical testing. Allele origin: unknown. Affected: yes. Study: The Canadian Open Genetics Repository (COGR). Not counted in ClinVar's aggregate classification.
Comment: The ATM p.Pro884Ala variant was not identified in the literature nor was it identified in the dbSNP, ClinVar, GeneInsight-COGR, Cosmic, MutDB, LOVD 3.0, or ATM-LOVD databases. The variant was not identified in the following control databases: the 1000 Genomes Project, the NHLBI GO Exome Sequencing Project, the Exome Aggregation Consortium (August 8th 2016), or the Genome Aggregation Database (Feb 27, 2017). The p.Pro884 residue is conserved in mammals, but not lower organisms with the variant amino acid Alanine (Ala) present in Zebrafish, increasing the likelihood that this variant does not have clinical significance. Computational analyses (PolyPhen-2, SIFT, AlignGVGD, BLOSUM, MutationTaster) provide inconsistent predictions regarding the impact to the protein; this information is not very predictive of pathogenicity. The variant occurs outside of the splicing consensus sequence and in silico or computational prediction software programs (SpliceSiteFinder, MaxEntScan, NNSPLICE, GeneSplicer, HumanSpliceFinder) do not predict a difference in splicing. In summary, based on the above information the clinical significance of this variant cannot be determined with certainty at this time. This variant is classified as a variant of uncertain significance.

Literature cited by the submitters: PubMed 32885271 (cited by Ambry Genetics).